The following is an entry in ClinVar:

ClinVar aggregate classification (germline): Uncertain significance (1 of 4 stars; one submission).

Submission:

GeneDx
Classification: Uncertain significance. Last evaluated: 2025-10-28. Review status: criteria provided, single submitter. Criteria: GeneDx Variant Classification Process June 2021. Collection method: clinical testing. Allele origin: germline. Affected: yes.
Comment: Not observed at significant frequency in large population cohorts (gnomAD); Nucleotide is not conserved across species and the substitution has no predicted effect on splicing; Alters the Kozak sequence, which plays a major role in the initiation of translation; Has not been previously published as pathogenic or benign to our knowledge

NM_001077350.3(NPRL3):c.-3G>T

Genes: HBA-LCR (alpha-globin locus control region; plus strand), NPRL3 (NPR3 like, GATOR1 complex subunit; minus strand). Cytogenetic location: 16p13.3.
Variant type: single nucleotide variant.
Coding change: c.-3G>T on transcript NM_001077350.3 (MANE Select); 3 bases upstream of the start codon, G replaced by T.
Molecular consequence: 5 prime UTR variant.
Genome position (GRCh38, 1-based): chr16:138,270, C>A on the plus strand (G>T on the coding strand, the complement: NPRL3 is on the minus strand). VCF-style: chr16-138270-C-A. GRCh37 (hg19) VCF-style: chr16-188269-C-A.
Other names: c.-335G>T (NM_001039476.3); c.-374G>T (NM_001243247.2); c.-3G>T (NM_001243248.2, NM_001243249.2).
Identifiers: ClinVar variation 3372084 (VCV003372084.2).